The following is an entry in ClinVar:

NM_152564.5(VPS13B):c.1968A>T (p.Glu656Asp)

Gene: VPS13B (vacuolar protein sorting 13 homolog B; plus strand). Cytogenetic location: 8q22.2.
Variant type: single nucleotide variant.
Coding change: c.1968A>T on transcript NM_152564.5 (MANE Select); coding-DNA position 1968, A replaced by T.
Protein change: p.Glu656Asp; replaces glutamic acid 656 with aspartic acid.
Molecular consequence: missense variant.
Genome position (GRCh38, 1-based): chr8:99,147,965, A>T. VCF-style: chr8-99147965-A-T. GRCh37 (hg19) VCF-style: chr8-100160193-A-T.
Other names: c.1968A>T, p.Glu656Asp (NM_015243.3, NM_017890.5); short protein forms E656D.
Identifiers: ClinVar variation 3349906 (VCV003349906.1).

ClinVar aggregate classification (germline): Uncertain significance (0 of 4 stars; one submission).

Conditions:
VPS13B-related disorder. Also called: VPS13B-related condition.

Submission:

PreventionGenetics, part of Exact Sciences
Classification: Uncertain significance for VPS13B-related condition. Last evaluated: 2024-02-04. Review status: no assertion criteria provided. Collection method: clinical testing. Allele origin: germline.
Comment: The VPS13B c.1968A>T variant is predicted to result in the amino acid substitution p.Glu656Asp. To our knowledge, this variant has not been reported in the literature or in a large population database, indicating this variant is rare. At this time, the clinical significance of this variant is uncertain due to the absence of conclusive functional and genetic evidence.